The following is an entry in ClinVar:

NM_001165963.4(SCN1A):c.4304T>A (p.Met1435Lys)

Genes: SCN1A (sodium voltage-gated channel alpha subunit 1; minus strand), LOC102724058 (uncharacterized LOC102724058; plus strand). Cytogenetic location: 2q24.3.
Variant type: single nucleotide variant.
Coding change: c.4304T>A on transcript NM_001165963.4 (MANE Select); coding-DNA position 4304, T replaced by A.
Protein change: p.Met1435Lys; replaces methionine 1435 with lysine.
Molecular consequence: missense variant. On other transcripts: non-coding transcript variant (1).
Genome position (GRCh38, 1-based): chr2:165,999,757, A>T on the plus strand (T>A on the coding strand, the complement: SCN1A is on the minus strand). VCF-style: chr2-165999757-A-T. GRCh37 (hg19) VCF-style: chr2-166856267-A-T.
Other names: c.4220T>A, p.Met1407Lys (NM_001165964.3, NM_001353957.2, NM_001353958.2); c.4304T>A, p.Met1435Lys (NM_001202435.3, NM_001353948.2); c.4271T>A, p.Met1424Lys (NM_001353949.2, NM_001353950.2, NM_001353951.2 and 2 more transcripts); c.4268T>A, p.Met1423Lys (NM_001353954.2, NM_001353955.2); c.4217T>A, p.Met1406Lys (NM_001353960.2); c.1862T>A, p.Met621Lys (NM_001353961.2); short protein forms M1424K, M1435K, M1407K, M1423K, M621K, M1406K.
Identifiers: ClinVar variation 429665 (VCV000429665.2), dbSNP rs796053009, ClinGen allele CA349049605.
Genomic context (GRCh38, chr2:165,999,757, plus strand): 5'-AGACTTAGAATACAAGGAATACTTACATTTCTGGAATCAACTGCTGCATACATTATATCC[A>T]TCCATCCTTTGAATGTGGCCTATTAAGAAGGACATGCATGTTTTACTTTGGAGTAAAAAT-3'
Protein context (NP_001159435.1, residues 1425-1445): LLQVATFKGW[Met1435Lys]DIMYAAVDSR

ClinVar aggregate classification (germline): Likely pathogenic (1 of 4 stars; one submission).

Submission:

GeneDx
Classification: Likely pathogenic. Last evaluated: 2016-05-03. Review status: criteria provided, single submitter. Criteria: GeneDx Variant Classification (06012015). Collection method: clinical testing. Allele origin: germline. Affected: yes.
Comment: The M1435K variant has not been published as a pathogenic variant, nor has it been reported as a benign polymorphism to our knowledge. It was not observed in approximately 6,500 individuals of European and African American ancestry in the NHLBI Exome Sequencing Project, indicating it is not a common benign variant in these populations. The M1435K variant is predicted to be located within the extracellular loop between transmembrane segments S5 and S6 in the third homologous domain. Multiple missense variants in nearby residues have been reported in Human Gene Mutation Database in association with SCN1A-related disorders (Stenson et al., 2014), supporting the functional importance of this region of the protein. This substitution occurs at a position where amino acids with similar properties to Methionine are tolerated across species; however, the M1435K variant is a non-conservative amino acid substitution, which is likely to impact secondary protein structure as these residues differ in polarity, charge, size and/or other properties. In silico analysis is inconsistent in its predictions as to whether or not this variant is damaging to the protein structure/function. Therefore, the M1435K variant is a strong candidate for a pathogenic variant, however the possibility that it is a benign variant cannot be excluded.